The following is an entry in ClinVar:

NM_182914.3(SYNE2):c.7895T>C (p.Met2632Thr)

Gene: SYNE2 (spectrin repeat containing nuclear envelope protein 2; plus strand). Cytogenetic location: 14q23.2.
Variant type: single nucleotide variant.
Coding change: c.7895T>C on transcript NM_182914.3 (MANE Select); coding-DNA position 7895, T replaced by C.
Protein change: p.Met2632Thr; replaces methionine 2632 with threonine.
Molecular consequence: missense variant.
Genome position (GRCh38, 1-based): chr14:64,051,808, T>C. VCF-style: chr14-64051808-T-C. GRCh37 (hg19) VCF-style: chr14-64518526-T-C.
Other names: c.7895T>C, p.Met2632Thr (NM_015180.6); short protein forms M2632T.
Identifiers: ClinVar variation 3001691 (VCV003001691.3), dbSNP rs1412313185, ClinGen allele CA389961834.
Genomic context (GRCh38, chr14:64,051,808, plus strand): 5'-AGCAGATTCAAAAGAAGTATTCTCAGCAGGTAGTGGAATATGATGAATTTACAACCCTCA[T>C]GAATAAGGTACAGGACACTGAGATTTCTCTGCAACAGCAGCAGCAACATCTACAGTTAAG-3'
Protein context (NP_878918.2, residues 2622-2642): VVEYDEFTTL[Met2632Thr]NKVQDTEISL

ClinVar aggregate classification (germline): Uncertain significance (1 of 4 stars; one submission).

Conditions:
Emery-Dreifuss muscular dystrophy 5, autosomal dominant (EDMD5). Also called: EMERY-DREIFUSS MUSCULAR DYSTROPHY 5. Identifiers: Orphanet 261, MedGen C2751805, MONDO:0013072, OMIM 612999.

Allele frequency attached by ClinVar (database versions not stated): TOPMed below 0.00001; gnomAD exomes 0.00001.
gnomAD v4.1: 3 of 1,614,146 alleles (0.00019%); highest among the groups gnomAD compares: East Asian, 0.0022%; no homozygotes.

Submission:

Labcorp Genetics (formerly Invitae), Labcorp
Classification: Uncertain significance for Emery-Dreifuss muscular dystrophy 5, autosomal dominant. Last evaluated: 2025-03-07. Review status: criteria provided, single submitter. Criteria: Invitae Variant Classification Sherloc (09022015). Collection method: clinical testing. Allele origin: germline.
Comment: This sequence change replaces methionine, which is neutral and non-polar, with threonine, which is neutral and polar, at codon 2632 of the SYNE2 protein (p.Met2632Thr). This variant is present in population databases (no rsID available, gnomAD no frequency). This variant has not been reported in the literature in individuals affected with SYNE2-related conditions. ClinVar contains an entry for this variant (Variation ID: 3001691). An algorithm developed to predict the effect of missense changes on protein structure and function (PolyPhen-2) suggests that this variant is likely to be tolerated. In summary, the available evidence is currently insufficient to determine the role of this variant in disease. Therefore, it has been classified as a Variant of Uncertain Significance.